The following is an entry in ClinVar:

ClinVar aggregate classification (germline): Uncertain significance (1 of 4 stars; one submission).

gnomAD v4.1: 2 of 1,516,844 alleles (0.00013%); highest among the groups gnomAD compares: Non-Finnish European, 0.00018%; no homozygotes.

Submission:

Labcorp Genetics (formerly Invitae), Labcorp
Classification: Uncertain significance. Last evaluated: 2024-09-02. Review status: criteria provided, single submitter. Criteria: Invitae Variant Classification Sherloc (09022015). Collection method: clinical testing. Allele origin: germline.
Comment: This sequence change replaces histidine, which is basic and polar, with aspartic acid, which is acidic and polar, at codon 338 of the MYLK3 protein (p.His338Asp). This variant is present in population databases (no rsID available, gnomAD 0.007%). This variant has not been reported in the literature in individuals affected with MYLK3-related conditions. An algorithm developed to predict the effect of missense changes on protein structure and function (PolyPhen-2) suggests that this variant is likely to be tolerated. In summary, the available evidence is currently insufficient to determine the role of this variant in disease. Therefore, it has been classified as a Variant of Uncertain Significance.

NM_182493.3(MYLK3):c.1012C>G (p.His338Asp)

Gene: MYLK3 (myosin light chain kinase 3; minus strand). Cytogenetic location: 16q11.2.
Variant type: single nucleotide variant.
Coding change: c.1012C>G on transcript NM_182493.3 (MANE Select); coding-DNA position 1012, C replaced by G.
Protein change: p.His338Asp; replaces histidine 338 with aspartic acid.
Molecular consequence: missense variant. On other transcripts: 5 prime UTR variant (1).
Genome position (GRCh38, 1-based): chr16:46,732,658, G>C on the plus strand (C>G on the coding strand, the complement: MYLK3 is on the minus strand). VCF-style: chr16-46732658-G-C. GRCh37 (hg19) VCF-style: chr16-46766570-G-C.
Other names: c.-12C>G (NM_001308301.1); short protein forms H338D.
Identifiers: ClinVar variation 3696907 (VCV003696907.2).